The following is an entry in ClinVar:

ClinVar aggregate classification (germline): Likely pathogenic (1 of 4 stars; one submission).

Conditions:
Classic homocystinuria. Also called: Homocystinuria due to CBS deficiency; Cystathionine beta-synthase deficiency; CBS deficiency; Homocystinuria due to Cystathionine Beta-Synthase Deficiency; HOMOCYSTINURIA WITH OR WITHOUT RESPONSE TO PYRIDOXINE. Identifiers: Orphanet 394, MedGen C0751202, MONDO:0009352, OMIM 236200.

Submission:

Myriad Genetics, Inc.
Classification: Likely pathogenic for Classic homocystinuria. Last evaluated: 2022-01-24. Review status: criteria provided, single submitter. Criteria: Myriad Women's Health Autosomal Recessive and X-Linked Classification Criteria (2021). Collection method: clinical testing. Allele origin: unknown.
Comment: NM_000071.2(CBS):c.1288_1289delAC(T430Lfs*21) is expected to be pathogenic in the context of homocystinuria, CBS-related. This variant is predicted to lead to an abnormal or absent protein product due to the creation of a premature termination codon in CBS, a gene where loss-of-function variants are known to be pathogenic. Please note: this variant was assessed in the context of healthy population screening.

NM_000071.3(CBS):c.1288_1289del (p.Thr430fs)

Gene: CBS (cystathionine beta-synthase; minus strand). Cytogenetic location: 21q22.3.
Variant type: Deletion.
Coding change: c.1288_1289del on transcript NM_000071.3 (MANE Select); coding-DNA positions 1288 to 1289, 2 bases deleted (AC; older notation c.1288_1289delAC).
Protein change: p.Thr430fs; shifts the reading frame from threonine 430.
Molecular consequence: frameshift variant.
Genome position (GRCh38, 1-based): chr21:43,058,903-43,058,904, GT deleted on the plus strand (AC on the coding strand, the reverse complement: CBS is on the minus strand); deleting any 2 consecutive bases within chr21:43,058,903-43,058,905 gives the same sequence; the c. name uses the placement nearest the transcript's 3' end. VCF-style (leftmost placement, unchanged base first): chr21-43058902-GGT-G. GRCh37 (hg19) VCF-style: chr21-44479012-GGT-G.
Other names: c.1288_1289del, p.Thr430fs (NM_001178008.3, NM_001178009.3, NM_001320298.2); c.973_974del, p.Thr325fs (NM_001321072.1); short protein forms T325fs, T430fs.
Identifiers: ClinVar variation 1724039 (VCV001724039.2), dbSNP rs2517399568, ClinGen allele CA2580098758.